The following is an entry in ClinVar:

ClinVar aggregate classification (germline): Likely benign (1 of 4 stars; one submission).

Submission:

Athena Diagnostics
Classification: Likely benign. Last evaluated: 2025-01-21. Review status: criteria provided, single submitter. Criteria: Athena Diagnostics Criteria. Collection method: clinical testing. Allele origin: unknown.
Comment: Computational tools yielded predictions that this variant is unlikely to have an effect on normal RNA splicing. This nucleotide position exhibits low evolutionary conservation.

NM_001278064.2(GRM1):c.3150G>C (p.Ala1050=)

Gene: GRM1 (glutamate metabotropic receptor 1; plus strand). Cytogenetic location: 6q24.3.
Variant type: single nucleotide variant.
Coding change: c.3150G>C on transcript NM_001278064.2 (MANE Select); coding-DNA position 3150, G replaced by C.
Protein change: p.Ala1050=; no amino-acid change (alanine 1050 retained).
Molecular consequence: synonymous variant. On other transcripts: 3 prime UTR variant (3).
Genome position (GRCh38, 1-based): chr6:146,434,361, G>C. VCF-style: chr6-146434361-G-C. GRCh37 (hg19) VCF-style: chr6-146755497-G-C.
Other names: c.*514G>C (NM_001278065.2); c.*479G>C (NM_001278066.1); c.*388G>C (NM_001278067.1).
Identifiers: ClinVar variation 4682397 (VCV004682397.1).
Genomic context (GRCh38, chr6:146,434,361, plus strand): 5'-GATGGACCAGCTCCAGGGAGTGGTCAGCAACTTCAGTACCGCGATCCCGGATTTTCACGC[G>C]GTGCTGGCAGGCCCCGGTGGTCCCGGGAACGGGCTGCGGTCCCTGTACCCGCCCCCGCCA-3'
Protein context (NP_001264993.1, residues 1040-1060): NFSTAIPDFH[Ala1050=]VLAGPGGPGN